The following continues an entry in ClinVar:

NM_017739.4(POMGNT1):c.643C>T (p.Arg215Ter)

ClinVar aggregate classification (germline): Pathogenic. Pathogenic (11).

Submissions 11 to 16 of 16:

Juno Genomics, Hangzhou Juno Genomics, Inc
Classification: Pathogenic for Muscular dystrophy-dystroglycanopathy (congenital with impaired intellectual development), type B, 3; Muscular dystrophy-dystroglycanopathy (congenital with brain and eye anomalies), type A3; Autosomal recessive limb-girdle muscular dystrophy type 2O; Retinitis pigmentosa 76. Review status: criteria provided, single submitter. Criteria: ACMG Guidelines, 2015. Collection method: clinical testing. Allele origin: germline.
Comment: Absent from controls (or at extremely low frequency if recessive) in Genome Aggregation Database.;Null variant in a gene where loss of function (LOF) is a known mechanism of disease.;For recessive disorders, detected in trans with a pathogenic variant.

Counsyl
Classification: Likely pathogenic for Muscular dystrophy-dystroglycanopathy (congenital with brain and eye anomalies), type A3. Last evaluated: 2014-01-02. Review status: no assertion criteria provided. Collection method: clinical testing. Allele origin: unknown. Not counted in ClinVar's aggregate classification.

Counsyl
Classification: Likely pathogenic for Muscular dystrophy-dystroglycanopathy (congenital with impaired intellectual development), type B, 3. Last evaluated: 2014-01-02. Review status: no assertion criteria provided. Collection method: clinical testing. Allele origin: unknown. Not counted in ClinVar's aggregate classification.

Counsyl
Classification: Likely pathogenic for Autosomal recessive limb-girdle muscular dystrophy type 2O. Last evaluated: 2014-01-02. Review status: no assertion criteria provided. Collection method: clinical testing. Allele origin: unknown. Not counted in ClinVar's aggregate classification.

Counsyl
Classification: Likely pathogenic for Retinitis pigmentosa 76. Last evaluated: 2014-01-02. Review status: no assertion criteria provided. Collection method: clinical testing. Allele origin: unknown. Not counted in ClinVar's aggregate classification.

Juha Muilu Group; Institute for Molecular Medicine Finland (FIMM)
Classification: Likely pathogenic for Muscle eye brain disease. Review status: no assertion criteria provided. Collection method: not provided. Allele origin: unknown. Not counted in ClinVar's aggregate classification.
Comment: FinDis database variant: This variant was not found or characterized by our laboratory, data were collected from public sources: see reference
ClinVar note: Converted during submission from probable-pathogenic to Likely pathogenic.

Literature cited by the submitters: PubMed 19299310 (cited by Labcorp Genetics (formerly Invitae), Labcorp); PubMed 20816175 (cited by Labcorp Genetics (formerly Invitae), Labcorp); PubMed 21447391 (cited by Labcorp Genetics (formerly Invitae), Labcorp); PubMed 26908613 (cited by Labcorp Genetics (formerly Invitae), Labcorp); PubMed 27391550 (cited by Labcorp Genetics (formerly Invitae), Labcorp); PubMed 22554691 (cited by 4 submitters); PubMed 26938784 (cited by Labcorp Genetics (formerly Invitae), Labcorp and Victorian Clinical Genetics Services, Murdoch Childrens Research Institute); PubMed 28832562 (cited by Labcorp Genetics (formerly Invitae), Labcorp).